The following is an entry in ClinVar:

ClinVar aggregate classification (germline): Likely benign. Review status: criteria provided, multiple submitters, no conflicts (2 of 4 stars). 3 submissions from 3 submitters: Likely benign (3). Last evaluated 2024-11-23.

Conditions:
Wilms tumor 1 (WT1). Also called: Wilms tumor, somatic. Identifiers: Orphanet 654, MedGen CN033288, MONDO:0008679, OMIM 194070.
11p partial monosomy syndrome (WAGR). Also called: CHROMOSOME 11p13 DELETION SYNDROME; WAGR syndrome; WAGR Complex; WAGR Spectrum Disorder. Identifiers: Orphanet 893, MedGen C0206115, MONDO:0008681, OMIM 194072.
Frasier syndrome. Identifiers: Orphanet 347, MedGen C0950122, MeSH D052159, MONDO:0007635, OMIM 136680.
Drash syndrome (DDS). Also called: NEPHROPATHY, WILMS TUMOR, AND GENITAL ANOMALIES; WILMS TUMOR AND PSEUDO- OR TRUE HERMAPHRODITISM. Identifiers: Orphanet 220, MedGen C0950121, MONDO:0008682, OMIM 194080.
Inborn genetic diseases. Identifiers: MedGen C0950123, MeSH D030342.

Submissions (3):

Ambry Genetics
Classification: Likely benign for Inborn genetic diseases. Last evaluated: 2024-11-23. Review status: criteria provided, single submitter. Criteria: Ambry Variant Classification Scheme 2023. Collection method: clinical testing. Allele origin: germline.

All of Us Research Program, National Institutes of Health
Classification: Likely benign for Wilms tumor 1. Last evaluated: 2024-05-30. Review status: criteria provided, single submitter. Criteria: ACMG Guidelines, 2015. Collection method: clinical testing. Allele origin: germline. Inheritance: Autosomal dominant inheritance. Observed: 1 variant allele, 1 heterozygote.
Comment: This study involves interpretation of variants in research participants for the purpose of population health screening. Participant phenotype was not available at the time of variant classification. Additional details can be found in publication PMID: 35346344, PMCID: PMC8962531

Labcorp Genetics (formerly Invitae), Labcorp
Classification: Likely benign for Wilms tumor 1; Drash syndrome; 11p partial monosomy syndrome; Frasier syndrome. Last evaluated: 2024-02-17. Review status: criteria provided, single submitter. Criteria: Invitae Variant Classification Sherloc (09022015). Collection method: clinical testing. Allele origin: germline.

NM_024426.6(WT1):c.258C>A (p.Pro86=)

Genes: WT1 (WT1 transcription factor; minus strand), LOC107982234 (WT1/WT1-AS bi-directional promoter region; plus strand). Cytogenetic location: 11p13.
Variant type: single nucleotide variant.
Coding change: c.258C>A on transcript NM_024426.6 (MANE Select); coding-DNA position 258, C replaced by A.
Protein change: p.Pro86=; no amino-acid change (proline 86 retained).
Molecular consequence: synonymous variant. On other transcripts: non-coding transcript variant (1).
Genome position (GRCh38, 1-based): chr11:32,435,103, G>T on the plus strand (C>A on the coding strand, the complement: WT1 is on the minus strand). VCF-style: chr11-32435103-G-T. GRCh37 (hg19) VCF-style: chr11-32456649-G-T.
Other names: c.243C>A (NM_024426.4); c.258C>A, p.Pro86= (NM_000378.6, NM_024424.5).
Identifiers: ClinVar variation 1378840 (VCV001378840.10), dbSNP rs1389359790, ClinGen allele CA473774012.